The following is an entry in ClinVar:

NM_001378964.1(CDON):c.979G>A (p.Ala327Thr)

Gene: CDON (cell adhesion associated, oncogene regulated; minus strand). Cytogenetic location: 11q24.2.
Variant type: single nucleotide variant.
Coding change: c.979G>A on transcript NM_001378964.1 (MANE Select); coding-DNA position 979, G replaced by A.
Protein change: p.Ala327Thr; replaces alanine 327 with threonine.
Molecular consequence: missense variant.
Genome position (GRCh38, 1-based): chr11:126,015,460, C>T on the plus strand (G>A on the coding strand, the complement: CDON is on the minus strand). VCF-style: chr11-126015460-C-T. GRCh37 (hg19) VCF-style: chr11-125885355-C-T.
Other names: c.979G>A, p.Ala327Thr (NM_001243597.3, NM_016952.6); short protein forms A327T.
Identifiers: ClinVar variation 2154215 (VCV002154215.4), dbSNP rs2497220623, ClinGen allele CA383210420.

ClinVar aggregate classification (germline): Uncertain significance (1 of 4 stars; one submission).

Conditions:
Holoprosencephaly 11 (HPE11). Identifiers: Orphanet 2162, MedGen C3280215, MONDO:0013642, OMIM 614226.

Allele frequency attached by ClinVar (database versions not stated): gnomAD exomes below 0.00001.
gnomAD v4.1: 2 of 1,613,744 alleles (0.00012%); highest among the groups gnomAD compares: Non-Finnish European, 0.00017%; no homozygotes.

Submission:

Labcorp Genetics (formerly Invitae), Labcorp
Classification: Uncertain significance for Holoprosencephaly 11. Last evaluated: 2022-06-25. Review status: criteria provided, single submitter. Criteria: Invitae Variant Classification Sherloc (09022015). Collection method: clinical testing. Allele origin: germline.
Comment: In summary, the available evidence is currently insufficient to determine the role of this variant in disease. Therefore, it has been classified as a Variant of Uncertain Significance. Algorithms developed to predict the effect of missense changes on protein structure and function output the following: SIFT: "Tolerated"; PolyPhen-2: "Benign"; Align-GVGD: "Class C0". The threonine amino acid residue is found in multiple mammalian species, which suggests that this missense change does not adversely affect protein function. This variant has not been reported in the literature in individuals affected with CDON-related conditions. This variant is not present in population databases (gnomAD no frequency). This sequence change replaces alanine, which is neutral and non-polar, with threonine, which is neutral and polar, at codon 327 of the CDON protein (p.Ala327Thr).